The following is an entry in ClinVar:

NM_006218.4(PIK3CA):c.1343T>C (p.Val448Ala)

Gene: PIK3CA (phosphatidylinositol-4,5-bisphosphate 3-kinase catalytic subunit alpha; plus strand). Cytogenetic location: 3q26.32.
Variant type: single nucleotide variant.
Coding change: c.1343T>C on transcript NM_006218.4 (MANE Select); coding-DNA position 1343, T replaced by C.
Protein change: p.Val448Ala; replaces valine 448 with alanine.
Molecular consequence: missense variant.
Genome position (GRCh38, 1-based): chr3:179,210,277, T>C. VCF-style: chr3-179210277-T-C. GRCh37 (hg19) VCF-style: chr3-178928065-T-C.
Other names: short protein forms V448A.
Identifiers: ClinVar variation 1770414 (VCV001770414.2), dbSNP rs2108400579, ClinGen allele CA355261899.

ClinVar aggregate classification (germline): Uncertain significance (1 of 4 stars; one submission).

Conditions:
Inborn genetic diseases. Identifiers: MedGen C0950123, MeSH D030342.

Submission:

Ambry Genetics
Classification: Uncertain significance for Inborn genetic diseases. Last evaluated: 2021-12-14. Review status: criteria provided, single submitter. Criteria: Ambry Variant Classification Scheme 2023. Collection method: clinical testing. Allele origin: germline.
Comment: The p.V448A variant (also known as c.1343T>C), located in coding exon 7 of the PIK3CA gene, results from a T to C substitution at nucleotide position 1343. The valine at codon 448 is replaced by alanine, an amino acid with similar properties. This amino acid position is conserved. In addition, the in silico prediction for this alteration is inconclusive. Since supporting evidence is limited at this time, the clinical significance of this alteration remains unclear.